The following is an entry in ClinVar:

ClinVar aggregate classification (germline): Pathogenic/Likely pathogenic. Review status: criteria provided, multiple submitters, no conflicts (2 of 4 stars). 3 submissions from 3 submitters: Pathogenic (1); Likely pathogenic (2). Last evaluated 2024-02-15.

Conditions:
Primary dilated cardiomyopathy (DCM). Also called: Dilated Cardiomyopathy. Identifiers: Orphanet 217604, MedGen C0007193, MeSH D002311, MONDO:0005021, HP:0001644. Inheritance: Various modes of inheritance.
Dilated cardiomyopathy 1HH (CMD1HH). Identifiers: Orphanet 154, MedGen C3151293, MONDO:0013479, OMIM 613881.
Myofibrillar myopathy 6. Identifiers: Orphanet 199340, MedGen C2751831, MONDO:0013061, OMIM 612954.

Submissions (3):

Labcorp Genetics (formerly Invitae), Labcorp
Classification: Pathogenic for Dilated cardiomyopathy 1HH; Myofibrillar myopathy 6. Last evaluated: 2024-02-15. Review status: criteria provided, single submitter. Criteria: Invitae Variant Classification Sherloc (09022015). Collection method: clinical testing. Allele origin: germline.
Comment: This sequence change creates a premature translational stop signal (p.Gln244*) in the BAG3 gene. It is expected to result in an absent or disrupted protein product. Loss-of-function variants in BAG3 are known to be pathogenic (PMID: 21353195, 25008357). This variant is not present in population databases (gnomAD no frequency). This variant has not been reported in the literature in individuals affected with BAG3-related conditions. ClinVar contains an entry for this variant (Variation ID: 228246). For these reasons, this variant has been classified as Pathogenic.

GeneDx
Classification: Likely pathogenic. Last evaluated: 2023-09-05. Review status: criteria provided, single submitter. Criteria: GeneDx Variant Classification Process June 2021. Collection method: clinical testing. Allele origin: germline. Affected: yes.
Comment: Has not been previously published as pathogenic or benign to our knowledge; Not observed at significant frequency in large population cohorts (gnomAD); Nonsense variant predicted to result in protein truncation or nonsense mediated decay in a gene for which loss of function is a known mechanism of disease

Laboratory for Molecular Medicine, Mass General Brigham Personalized Medicine
Classification: Likely pathogenic for Primary dilated cardiomyopathy. Last evaluated: 2017-04-07. Review status: criteria provided, single submitter. Criteria: LMM Criteria. Collection method: clinical testing. Allele origin: germline. Observed: 5 variant alleles.
Comment: It was also absent from large population studies. Thi s variant has been reported in ClinVar (Variation ID 228246). This nonsense vari ant leads to a premature termination codon at position 244, which is predicted t o lead to a truncated or absent protein. Nonsense and other truncating variants in BAG3 are associated with DCM (Norton 2011, Villard 2011, Konersman 2015). In summary, although additional studies are required to fully establish its clinica l significance, the p.Gln244X variant is likely pathogenic.

Literature cited by the submitters: PubMed 21353195 (cited by Labcorp Genetics (formerly Invitae), Labcorp); PubMed 25008357 (cited by Labcorp Genetics (formerly Invitae), Labcorp).

NM_004281.4(BAG3):c.730C>T (p.Gln244Ter)

Gene: BAG3 (BAG cochaperone 3; plus strand). Cytogenetic location: 10q26.11.
Variant type: single nucleotide variant.
Coding change: c.730C>T on transcript NM_004281.4 (MANE Select); coding-DNA position 730, C replaced by T.
Protein change: p.Gln244Ter; replaces glutamine 244 with a stop codon.
Molecular consequence: nonsense.
Genome position (GRCh38, 1-based): chr10:119,672,477, C>T. VCF-style: chr10-119672477-C-T. GRCh37 (hg19) VCF-style: chr10-121431989-C-T.
Other names: short protein forms Q244*.
Identifiers: ClinVar variation 228246 (VCV000228246.13), dbSNP rs876657634, ClinGen allele CA10576778.